The following is an entry in ClinVar:

NM_017950.4(CCDC40):c.2680G>A (p.Ala894Thr)

Gene: CCDC40 (coiled-coil domain 40 molecular ruler complex subunit; plus strand). Cytogenetic location: 17q25.3.
Variant type: single nucleotide variant.
Coding change: c.2680G>A on transcript NM_017950.4 (MANE Select); coding-DNA position 2680, G replaced by A.
Protein change: p.Ala894Thr; replaces alanine 894 with threonine.
Molecular consequence: missense variant.
Genome position (GRCh38, 1-based): chr17:80,088,071, G>A. VCF-style: chr17-80088071-G-A. GRCh37 (hg19) VCF-style: chr17-78061870-G-A.
Other names: c.2680G>A, p.Ala894Thr (NM_001243342.2); short protein forms A894T.
Identifiers: ClinVar variation 3227112 (VCV003227112.1), dbSNP rs375004715, ClinGen allele CA8814300.

ClinVar aggregate classification (germline): Uncertain significance (1 of 4 stars; one submission).

Conditions:
Primary ciliary dyskinesia. Also called: Ciliary dyskinesia. Identifiers: Orphanet 244, MedGen C0008780, MONDO:0016575, HP:0012265.

Allele frequency attached by ClinVar (database versions not stated): gnomAD exomes below 0.00001; ExAC 0.00002; gnomAD 0.00004; TOPMed 0.00005; ESP Exome Variant Server 0.00016.
gnomAD v4.1: 9 of 1,613,808 alleles (0.00056%); highest among the groups gnomAD compares: African/African-American, 0.008%; no homozygotes.

Submission:

Ambry Genetics
Classification: Uncertain significance for Primary ciliary dyskinesia. Last evaluated: 2023-12-11. Review status: criteria provided, single submitter. Criteria: Ambry Variant Classification Scheme 2023. Collection method: clinical testing. Allele origin: germline.
Comment: The p.A894T variant (also known as c.2680G>A), located in coding exon 16 of the CCDC40 gene, results from a G to A substitution at nucleotide position 2680. The alanine at codon 894 is replaced by threonine, an amino acid with similar properties. This amino acid position is conserved. In addition, this alteration is predicted to be tolerated by in silico analysis. Since supporting evidence is limited at this time, the clinical significance of this alteration remains unclear.